The following is an entry in ClinVar:

NM_001943.5(DSG2):c.2533del (p.Lys844_Ile845insTer)

Genes: DSG2 (desmoglein 2; plus strand), DSG2-AS1 (DSG2 antisense RNA 1; minus strand). Cytogenetic location: 18q12.1.
Variant type: Deletion.
Coding change: c.2533del on transcript NM_001943.5 (MANE Select); coding-DNA position 2533, one base deleted (A; older notation c.2533delA).
Protein change: p.Lys844_Ile845insTer.
Molecular consequence: nonsense.
Genome position (GRCh38, 1-based): chr18:31,545,919, A deleted; the last of 6 consecutive A bases (chr18:31,545,914-31,545,919); deleting any one gives the same sequence. VCF-style (leftmost placement, unchanged base first): chr18-31545913-CA-C. GRCh37 (hg19) VCF-style: chr18-29125876-CA-C.
Other names: c.2533del (LRG_397t1).
Identifiers: ClinVar variation 579185 (VCV000579185.3), dbSNP rs1375081885, ClinGen allele CA503766256.

ClinVar aggregate classification (germline): Conflicting classifications of pathogenicity. Review status: criteria provided, conflicting classifications (1 of 4 stars). 4 submissions from 4 submitters: Pathogenic (1); Likely pathogenic (2); Uncertain significance (1). Last evaluated 2025-10-29.

Conditions:
Cardiomyopathy (CMYO). Also called: Cardiomyopathies. Identifiers: Orphanet 167848, MedGen C0878544, MONDO:0004994, HP:0001638. Inheritance: Various modes of inheritance.
Arrhythmogenic right ventricular dysplasia 10. Also called: Arrhythmogenic Right Ventricular Dysplasia/Cardiomyopathy10; Arrhythmogenic right ventricular dysplasia/cardiomyopathy, type 10; ARRHYTHMOGENIC RIGHT VENTRICULAR DYSPLASIA, FAMILIAL, 10. Identifiers: MedGen C1857777, MONDO:0012434, OMIM 610193.

Submissions (4):

Clinical Genetics Laboratory, University Hospital Schleswig-Holstein
Classification: Likely pathogenic for Arrhythmogenic right ventricular dysplasia 10. Last evaluated: 2025-10-29. Review status: criteria provided, single submitter. Criteria: ACMG Guidelines, 2015. Collection method: clinical testing. Allele origin: germline. Observed: 1 heterozygote.
Comment: ACMG criteria applied: PM2, PS4_Supporting, PVS1_Strong

Color Diagnostics, LLC DBA Color Health
Classification: Uncertain significance for Cardiomyopathy. Last evaluated: 2025-06-29. Review status: criteria provided, single submitter. Criteria: ACMG Guidelines, 2015. Collection method: clinical testing. Allele origin: germline.
Comment: This variant deletes 1 nucleotide in exon 15 of the DSG2 gene, creating a frameshift and a premature translation stop signal in the last coding exon. This mutant transcript is predicted to escape nonsense-mediated decay and be expressed as a truncated protein. The mutant protein would lack the desmoglein repeats 1 through 6 (a.a. 881-1051)however, the clinical relevance of the loss of this C-terminal region is not known. This variant has been reported in an individual affected with dilated cardiomyopathy (PMID: 32659924). This variant has not been identified in the general population by the Genome Aggregation Database (gnomAD). The available evidence is insufficient to determine the role of this variant in disease conclusively. Therefore, this variant is classified as a Variant of Uncertain Significance.

Labcorp Genetics (formerly Invitae), Labcorp
Classification: Pathogenic for Arrhythmogenic right ventricular cardiomyopathy, type 10. Last evaluated: 2018-06-12. Review status: criteria provided, single submitter. Criteria: Invitae Variant Classification Sherloc (09022015). Collection method: clinical testing. Allele origin: germline.
Comment: This sequence change results in a premature translational stop signal in the DSG2 gene (p.Ile845*). While this is not anticipated to result in nonsense mediated decay, it is expected to disrupt the last 274 amino acids of the DSG2 protein. This variant is not present in population databases (ExAC no frequency). This variant has not been reported in the literature in individuals with DSG2-related disease. A different truncation (p.Glu1020Alafs*18) that lies downstream of this variant has been determined to be pathogenic (PMID: 21397041, 20864495, 23381804). This suggests that deletion of this region of the DSG2 protein is causative of disease. For these reasons, this variant has been classified as Pathogenic.

Human Genome Sequencing Center Clinical Lab, Baylor College of Medicine
Classification: Likely pathogenic for Arrhythmogenic right ventricular dysplasia 10. Last evaluated: 2018-04-25. Review status: criteria provided, single submitter. Criteria: ACMG Guidelines, 2015. Collection method: clinical testing. Allele origin: germline.
Comment: DSG2: c.2533delA (p.ILE845*) This c.2533delA (p.ILE845*) variant in the DSG2 gene has not been reported previously nor observed in general population according to gnomad database. This variant is predicted to cause loss of function of normal protein through mRNA decay or producing a truncated protein, which is a known disease mechanism for this gene. Based on current evidences, this c.2533delA (p.ILE845*) variant in the DSG2 gene is classified as likely pathogenic

Literature cited by the submitters: PubMed 32659924 (cited by Color Diagnostics, LLC DBA Color Health); PubMed 23381804 (cited by Labcorp Genetics (formerly Invitae), Labcorp); PubMed 20864495 (cited by Labcorp Genetics (formerly Invitae), Labcorp); PubMed 21397041 (cited by Labcorp Genetics (formerly Invitae), Labcorp).